The following is an entry in ClinVar:

NM_000051.4(ATM):c.8045del (p.Thr2682fs)

Genes: ATM (ATM serine/threonine kinase; plus strand), C11orf65 (chromosome 11 open reading frame 65; minus strand). Cytogenetic location: 11q22.3.
Variant type: Deletion.
Coding change: c.8045del on transcript NM_000051.4 (MANE Select); coding-DNA position 8045, one base deleted (C; older notation c.8045delC).
Protein change: p.Thr2682fs; shifts the reading frame from threonine 2682.
Molecular consequence: frameshift variant. On other transcripts: intron variant (2).
Genome position (GRCh38, 1-based): chr11:108,335,003, C deleted. VCF-style (leftmost placement, unchanged base first): chr11-108335002-AC-A. GRCh37 (hg19) VCF-style: chr11-108205729-AC-A.
Other names: c.8045del, p.Thr2682fs (NM_001351834.2); c.641-25932del (NM_001330368.2); c.*38+217del (NM_001351110.2); short protein forms T2682fs.
Identifiers: ClinVar variation 3451507 (VCV003451507.1).

ClinVar aggregate classification (germline): Pathogenic (1 of 4 stars; one submission).

Conditions:
Hereditary cancer-predisposing syndrome. Also called: Tumor predisposition; Hereditary Cancer Syndrome; Neoplastic Syndromes, Hereditary; Hereditary neoplastic syndrome. Identifiers: Orphanet 140162, MedGen C0027672, MeSH D009386, MONDO:0015356.

Submission:

Ambry Genetics
Classification: Pathogenic for Hereditary cancer-predisposing syndrome. Last evaluated: 2024-10-10. Review status: criteria provided, single submitter. Criteria: Ambry Variant Classification Scheme 2023. Collection method: clinical testing. Allele origin: germline.
Comment: The c.8045delC pathogenic mutation, located in coding exon 54 of the ATM gene, results from a deletion of one nucleotide at nucleotide position 8045, causing a translational frameshift with a predicted alternate stop codon (p.T2682Ifs*11). This variant is considered to be rare based on population cohorts in the Genome Aggregation Database (gnomAD). This alteration is expected to result in loss of function by premature protein truncation or nonsense-mediated mRNA decay. As such, this alteration is interpreted as a disease-causing mutation.